The following is an entry in ClinVar:

NM_001100.4(ACTA1):c.307C>T (p.His103Tyr)

Gene: ACTA1 (actin alpha 1, skeletal muscle; minus strand). Cytogenetic location: 1q42.13.
Variant type: single nucleotide variant.
Coding change: c.307C>T on transcript NM_001100.4 (MANE Select); coding-DNA position 307, C replaced by T.
Protein change: p.His103Tyr; replaces histidine 103 with tyrosine.
Molecular consequence: missense variant.
Genome position (GRCh38, 1-based): chr1:229,432,703, G>A on the plus strand (C>T on the coding strand, the complement: ACTA1 is on the minus strand). VCF-style: chr1-229432703-G-A. GRCh37 (hg19) VCF-style: chr1-229568450-G-A.
Other names: short protein forms H103Y.
Identifiers: ClinVar variation 1810614 (VCV001810614.7), dbSNP rs2527439107, ClinGen allele CA345149971.

ClinVar aggregate classification (germline): Uncertain significance. Review status: criteria provided, multiple submitters, no conflicts (2 of 4 stars). 3 submissions from 3 submitters: Uncertain significance (3). Last evaluated 2023-05-05.

Conditions:
Inborn genetic diseases. Identifiers: MedGen C0950123, MeSH D030342.
Actin accumulation myopathy (CMYO2A). Also called: CONGENITAL MYOPATHY 2A, TYPICAL, AUTOSOMAL DOMINANT; Myopathy, actin, congenital, with cores; Nemaline myopathy 3, with intranuclear rods; Nemaline myopathy type 3; Myopathy, actin, congenital, with excess of thin myofilaments. Identifiers: Orphanet 98904, MedGen C3711389, MONDO:0008070, OMIM 161800.

Submissions (3):

Labcorp Genetics (formerly Invitae), Labcorp
Classification: Uncertain significance for Actin accumulation myopathy. Last evaluated: 2023-05-05. Review status: criteria provided, single submitter. Criteria: Invitae Variant Classification Sherloc (09022015). Collection method: clinical testing. Allele origin: germline.
Comment: This variant is not present in population databases (gnomAD no frequency). This sequence change replaces histidine, which is basic and polar, with tyrosine, which is neutral and polar, at codon 103 of the ACTA1 protein (p.His103Tyr). This variant has not been reported in the literature in individuals affected with ACTA1-related conditions. Advanced modeling of protein sequence and biophysical properties (such as structural, functional, and spatial information, amino acid conservation, physicochemical variation, residue mobility, and thermodynamic stability) performed at Invitae indicates that this missense variant is not expected to disrupt ACTA1 protein function. ClinVar contains an entry for this variant (Variation ID: 1810614). In summary, the available evidence is currently insufficient to determine the role of this variant in disease. Therefore, it has been classified as a Variant of Uncertain Significance.

GeneDx
Classification: Uncertain significance. Last evaluated: 2022-07-05. Review status: criteria provided, single submitter. Criteria: GeneDx Variant Classification Process June 2021. Collection method: clinical testing. Allele origin: germline. Affected: yes.
Comment: Not observed at significant frequency in large population cohorts (gnomAD); Missense variants in this gene are often considered pathogenic (HGMD); In silico analysis supports that this missense variant has a deleterious effect on protein structure/function; Has not been previously published as pathogenic or benign to our knowledge

Ambry Genetics
Classification: Uncertain significance for Inborn genetic diseases. Last evaluated: 2022-04-22. Review status: criteria provided, single submitter. Criteria: Ambry Variant Classification Scheme 2023. Collection method: clinical testing. Allele origin: germline.